The following is an entry in ClinVar:

ClinVar aggregate classification (germline): Uncertain significance (1 of 4 stars; one submission).

Submission:

GeneDx
Classification: Uncertain significance. Last evaluated: 2025-07-07. Review status: criteria provided, single submitter. Criteria: GeneDx Variant Classification Process June 2021. Collection method: clinical testing. Allele origin: germline. Affected: yes.
Comment: Not observed at significant frequency in large population cohorts (gnomAD); In silico analysis supports that this missense variant has a deleterious effect on protein structure/function; Has not been previously published as pathogenic or benign to our knowledge

NM_004076.5(CRYBB3):c.249G>T (p.Lys83Asn)

Gene: CRYBB3 (crystallin beta B3; plus strand). Cytogenetic location: 22q11.23.
Variant type: single nucleotide variant.
Coding change: c.249G>T on transcript NM_004076.5 (MANE Select); coding-DNA position 249, G replaced by T.
Protein change: p.Lys83Asn; replaces lysine 83 with asparagine.
Molecular consequence: missense variant.
Genome position (GRCh38, 1-based): chr22:25,203,817, G>T. VCF-style: chr22-25203817-G-T. GRCh37 (hg19) VCF-style: chr22-25599784-G-T.
Other names: short protein forms K83N.
Identifiers: ClinVar variation 4685395 (VCV004685395.1).